The following is an entry in ClinVar:

ClinVar aggregate classification (germline): Pathogenic (1 of 4 stars; one submission).

Conditions:
Weiss-Kruszka syndrome. Also called: Metopic ridging-ptosis-facial dysmorphism syndrome. Identifiers: Orphanet 502430, MedGen C5568107, MONDO:0032836, OMIM 618619.

Submission:

Victorian Clinical Genetics Services, Murdoch Childrens Research Institute
Classification: Pathogenic for Weiss-Kruszka syndrome. Last evaluated: 2025-03-25. Review status: criteria provided, single submitter. Criteria: ACMG Guidelines, 2015. Collection method: clinical testing. Allele origin: germline. Affected: yes.
Comment: This variant is classified as Pathogenic. Evidence in support of pathogenic classification: Variant is predicted to cause nonsense-mediated decay (NMD) and loss of protein (premature termination codon is located at least 54 nucleotides upstream of the final exon-exon junction); Variant is absent from gnomAD (v2, v3 and v4); Other NMD-predicted variants comparable to the one identified in this case have very strong previous evidence for pathogenicity (DECIPHER). Additional information: This variant is heterozygous; This gene is associated with autosomal dominant disease; This variant has no previous evidence of pathogenicity; No published segregation evidence has been identified for this variant; No published functional evidence has been identified for this variant; Loss of function is a known mechanism of disease in this gene and is associated with Weiss-Kruszka syndrome (MIM#618619); Variants in this gene are known to have variable expressivity (OMIM).

NM_021224.6(ZNF462):c.1910_1911dup (p.Ser638fs)

Gene: ZNF462 (zinc finger protein 462; plus strand). Cytogenetic location: 9q31.2.
Variant type: Duplication.
Coding change: c.1910_1911dup on transcript NM_021224.6 (MANE Select); coding-DNA positions 1910 to 1911, 2 bases duplicated (CA; older notation c.1910_1911dupCA).
Protein change: p.Ser638fs; shifts the reading frame from serine 638.
Molecular consequence: frameshift variant.
Genome position (GRCh38, 1-based): chr9:106,925,822-106,925,823, CA duplicated. VCF-style (leftmost placement, unchanged base first): chr9-106925821-T-TCA. GRCh37 (hg19) VCF-style: chr9-109688102-T-TCA.
Other names: c.1910_1911dup, p.Ser638fs (NM_001347997.2); short protein forms S638fs.
Identifiers: ClinVar variation 4532107 (VCV004532107.1).